The following is an entry in ClinVar:

NM_014797.3(ZBTB24):c.971_972delinsAA (p.Cys324Ter)

Gene: ZBTB24 (zinc finger and BTB domain containing 24; minus strand). Cytogenetic location: 6q21.
Variant type: Indel.
Coding change: c.971_972delinsAA on transcript NM_014797.3 (MANE Select); coding-DNA positions 971 to 972, GT replaced by AA.
Protein change: p.Cys324Ter; replaces cysteine 324 with a stop codon.
Molecular consequence: nonsense.
Genome position (GRCh38, 1-based): chr6:109,476,911-109,476,912, AC replaced by TT on the plus strand (GT replaced by AA on the coding strand, the reverse complement: ZBTB24 is on the minus strand). VCF-style: chr6-109476911-AC-TT. GRCh37 (hg19) VCF-style: chr6-109798114-AC-TT.
Other names: short protein forms C324*.
Identifiers: ClinVar variation 2826131 (VCV002826131.3), dbSNP rs2482872147, ClinGen allele CA2739265940.

ClinVar aggregate classification (germline): Pathogenic (1 of 4 stars; one submission).

Conditions:
Immunodeficiency-centromeric instability-facial anomalies syndrome 2 (ICF2). Identifiers: Orphanet 2268, MedGen C3279748, MONDO:0013553, OMIM 614069.

Submission:

Labcorp Genetics (formerly Invitae), Labcorp
Classification: Pathogenic for Immunodeficiency-centromeric instability-facial anomalies syndrome 2. Last evaluated: 2023-03-08. Review status: criteria provided, single submitter. Criteria: Invitae Variant Classification Sherloc (09022015). Collection method: clinical testing. Allele origin: germline.
Comment: This sequence change creates a premature translational stop signal (p.Cys324*) in the ZBTB24 gene. It is expected to result in an absent or disrupted protein product. Loss-of-function variants in ZBTB24 are known to be pathogenic (PMID: 21596365). For these reasons, this variant has been classified as Pathogenic. This variant has not been reported in the literature in individuals affected with ZBTB24-related conditions. Information on the frequency of this variant in the gnomAD database is not available, as this variant may be reported differently in the database.

Literature cited by the submitters: PubMed 21596365.